The following is an entry in ClinVar:

ClinVar aggregate classification (germline): Conflicting classifications of pathogenicity. Review status: criteria provided, conflicting classifications (1 of 4 stars). 5 submissions from 5 submitters: Pathogenic (1); Likely pathogenic (2); Uncertain significance (1). 1 of the submissions does not count toward it. Last evaluated 2024-05-31.

Conditions:
EYS-related disorder. Also called: EYS-related condition.
Retinitis pigmentosa 25 (RP25). Identifiers: Orphanet 791, MedGen C1864446, MONDO:0011272, OMIM 602772.

Allele frequency attached by ClinVar (database versions not stated): gnomAD exomes 0.00002; TOPMed 0.00002; gnomAD 0.00005.
gnomAD v4.1: 29 of 1,503,176 alleles (0.0019%); highest among the groups gnomAD compares: African/African-American, 0.0056%; no homozygotes.

Submissions (5):

Fulgent Genetics
Classification: Likely pathogenic for Retinitis pigmentosa 25. Last evaluated: 2024-05-31. Review status: criteria provided, single submitter. Criteria: ACMG Guidelines, 2015. Collection method: clinical testing. Allele origin: germline.

Baylor Genetics
Classification: Pathogenic for Retinitis pigmentosa 25. Last evaluated: 2024-03-12. Review status: criteria provided, single submitter. Criteria: ACMG Guidelines, 2015. Collection method: clinical testing. Allele origin: unknown.

Blueprint Genetics
Classification: Likely pathogenic for EYS-related disorders. Last evaluated: 2022-10-13. Review status: criteria provided, single submitter. Criteria: ACMG Guidelines, 2015. Collection method: clinical testing. Allele origin: germline. Affected: yes. Observed: 3 variant alleles.

Labcorp Genetics (formerly Invitae), Labcorp
Classification: Uncertain significance. Last evaluated: 2022-02-08. Review status: criteria provided, single submitter. Criteria: Invitae Variant Classification Sherloc (09022015). Collection method: clinical testing. Allele origin: germline.
Comment: This sequence change falls in intron 32 of the EYS gene. It does not directly change the encoded amino acid sequence of the EYS protein. It affects a nucleotide within the consensus splice site. The frequency data for this variant in the population databases is considered unreliable, as metrics indicate poor data quality at this position in the gnomAD database. This variant has been observed in individuals with clinical features of retinal disease (PMID: 29550188; Invitae). ClinVar contains an entry for this variant (Variation ID: 1056012). Variants that disrupt the consensus splice site are a relatively common cause of aberrant splicing (PMID: 17576681, 9536098). Algorithms developed to predict the effect of sequence changes on RNA splicing suggest that this variant may disrupt the consensus splice site. In summary, the available evidence is currently insufficient to determine the role of this variant in disease. Therefore, it has been classified as a Variant of Uncertain Significance.

Natera, Inc.
Classification: Uncertain significance for Retinitis pigmentosa type 25. Last evaluated: 2020-12-02. Review status: no assertion criteria provided. Collection method: clinical testing. Allele origin: germline. Not counted in ClinVar's aggregate classification.

Literature cited by the submitters: PubMed 29550188 (cited by Labcorp Genetics (formerly Invitae), Labcorp); PubMed 17576681 (cited by Labcorp Genetics (formerly Invitae), Labcorp); PubMed 9536098 (cited by Labcorp Genetics (formerly Invitae), Labcorp).

NM_001142800.2(EYS):c.6571+5G>A

Gene: EYS (EGF-like photoreceptor maintenance factor; minus strand). Cytogenetic location: 6q12.
Variant type: single nucleotide variant.
Coding change: c.6571+5G>A on transcript NM_001142800.2 (MANE Select); 5 bases into the intron after coding-DNA position 6571, G replaced by A.
Molecular consequence: intron variant.
Genome position (GRCh38, 1-based): chr6:64,081,851, C>T on the plus strand (G>A on the coding strand, the complement: EYS is on the minus strand). VCF-style: chr6-64081851-C-T. GRCh37 (hg19) VCF-style: chr6-64791744-C-T.
Other names: c.6571+5G>A (NM_001292009.2).
Identifiers: ClinVar variation 1056012 (VCV001056012.7), dbSNP rs991580368, ClinGen allele CA140278467.